The following is an entry in ClinVar:

NM_001081.4(CUBN):c.1538G>A (p.Arg513His)

Gene: CUBN (cubilin; minus strand). Cytogenetic location: 10p13.
Variant type: single nucleotide variant.
Coding change: c.1538G>A on transcript NM_001081.4 (MANE Select); coding-DNA position 1538, G replaced by A.
Protein change: p.Arg513His; replaces arginine 513 with histidine.
Molecular consequence: missense variant.
Genome position (GRCh38, 1-based): chr10:17,100,232, C>T on the plus strand (G>A on the coding strand, the complement: CUBN is on the minus strand). VCF-style: chr10-17100232-C-T. GRCh37 (hg19) VCF-style: chr10-17142231-C-T.
Other names: short protein forms R513H.
Identifiers: ClinVar variation 2060370 (VCV002060370.5), dbSNP rs147322950, ClinGen allele CA5425242.

ClinVar aggregate classification (germline): Uncertain significance. Review status: criteria provided, multiple submitters, no conflicts (2 of 4 stars). 2 submissions from 2 submitters: Uncertain significance (2). Last evaluated 2024-10-27.

Conditions:
Imerslund-Grasbeck syndrome. Also called: Imerslund-Gräsbeck syndrome; Megaloblastic anemia due to inborn errors of metabolism; ENTEROCYTE COBALAMIN MALABSORPTION; ENTEROCYTE INTRINSIC FACTOR RECEPTOR, DEFECT OF; PERNICIOUS ANEMIA, JUVENILE, DUE TO SELECTIVE INTESTINAL MALABSORPTION OF VITAMIN B12, WITH PROTEINURIA. Identifiers: Orphanet 35858, MedGen C4551825, MONDO:0009853.
Inborn genetic diseases. Identifiers: MedGen C0950123, MeSH D030342.

Allele frequency attached by ClinVar (database versions not stated): gnomAD 0.00007; 1000 Genomes Project 30x 0.00031; 1000 Genomes Project 0.00020; ESP Exome Variant Server 0.00023.

Submissions (2):

Labcorp Genetics (formerly Invitae), Labcorp
Classification: Uncertain significance for Imerslund-Grasbeck syndrome. Last evaluated: 2024-10-27. Review status: criteria provided, single submitter. Criteria: Invitae Variant Classification Sherloc (09022015). Collection method: clinical testing. Allele origin: germline.
Comment: This sequence change replaces arginine, which is basic and polar, with histidine, which is basic and polar, at codon 513 of the CUBN protein (p.Arg513His). This variant is present in population databases (rs147322950, gnomAD 0.03%). This variant has not been reported in the literature in individuals affected with CUBN-related conditions. ClinVar contains an entry for this variant (Variation ID: 2060370). Invitae Evidence Modeling of protein sequence and biophysical properties (such as structural, functional, and spatial information, amino acid conservation, physicochemical variation, residue mobility, and thermodynamic stability) indicates that this missense variant is not expected to disrupt CUBN protein function with a negative predictive value of 80%. In summary, the available evidence is currently insufficient to determine the role of this variant in disease. Therefore, it has been classified as a Variant of Uncertain Significance.

Ambry Genetics
Classification: Uncertain significance for Inborn genetic diseases. Last evaluated: 2023-10-25. Review status: criteria provided, single submitter. Criteria: Ambry Variant Classification Scheme 2023. Collection method: clinical testing. Allele origin: germline.